The following is an entry in ClinVar:

NM_033305.3(VPS13A):c.223T>C (p.Tyr75His)

Gene: VPS13A (vacuolar protein sorting 13 homolog A; plus strand). Cytogenetic location: 9q21.2.
Variant type: single nucleotide variant.
Coding change: c.223T>C on transcript NM_033305.3 (MANE Select); coding-DNA position 223, T replaced by C.
Protein change: p.Tyr75His; replaces tyrosine 75 with histidine.
Molecular consequence: missense variant.
Genome position (GRCh38, 1-based): chr9:77,205,348, T>C. VCF-style: chr9-77205348-T-C. GRCh37 (hg19) VCF-style: chr9-79820264-T-C.
Other names: c.223T>C, p.Tyr75His (NM_001018037.2, NM_001018038.3, NM_015186.4); short protein forms Y75H.
Identifiers: ClinVar variation 3704644 (VCV003704644.2).

ClinVar aggregate classification (germline): Uncertain significance (1 of 4 stars; one submission).

Submission:

Labcorp Genetics (formerly Invitae), Labcorp
Classification: Uncertain significance. Last evaluated: 2025-08-18. Review status: criteria provided, single submitter. Criteria: Invitae Variant Classification Sherloc (09022015). Collection method: clinical testing. Allele origin: germline.
Comment: This sequence change replaces tyrosine, which is neutral and polar, with histidine, which is basic and polar, at codon 75 of the VPS13A protein (p.Tyr75His). This variant is not present in population databases (gnomAD no frequency). This variant has not been reported in the literature in individuals affected with VPS13A-related conditions. ClinVar contains an entry for this variant (Variation ID: 3704644). An algorithm developed to predict the effect of missense changes on protein structure and function (PolyPhen-2) suggests that this variant is likely to be disruptive. In summary, the available evidence is currently insufficient to determine the role of this variant in disease. Therefore, it has been classified as a Variant of Uncertain Significance.